The following is an entry in ClinVar:

NM_001290043.2(TAP2):c.1841G>A (p.Arg614His)

Gene: TAP2 (transporter 2, ATP binding cassette subfamily B member; minus strand). Cytogenetic location: 6p21.32.
Variant type: single nucleotide variant.
Coding change: c.1841G>A on transcript NM_001290043.2 (MANE Select); coding-DNA position 1841, G replaced by A.
Protein change: p.Arg614His; replaces arginine 614 with histidine.
Molecular consequence: missense variant.
Genome position (GRCh38, 1-based): chr6:32,829,491, C>T on the plus strand (G>A on the coding strand, the complement: TAP2 is on the minus strand). VCF-style: chr6-32829491-C-T. GRCh37 (hg19) VCF-style: chr6-32797268-C-T.
Other names: c.1841G>A, p.Arg614His (NM_018833.3, NM_000544.3); short protein forms R614H.
Identifiers: ClinVar variation 1511431 (VCV001511431.3), dbSNP rs770111657, ClinGen allele CA3745783.

ClinVar aggregate classification (germline): Uncertain significance (1 of 4 stars; one submission).

Conditions:
MHC class I deficiency. Identifiers: Orphanet 34592, MedGen C6024714, MONDO:0011476.

Allele frequency attached by ClinVar (database versions not stated): gnomAD 0.00001; TOPMed 0.00002.
gnomAD v4.1: 34 of 1,614,072 alleles (0.0021%); highest among the groups gnomAD compares: South Asian, 0.012%; no homozygotes.

Submission:

Labcorp Genetics (formerly Invitae), Labcorp
Classification: Uncertain significance for MHC class I deficiency 1. Last evaluated: 2021-09-21. Review status: criteria provided, single submitter. Criteria: Invitae Variant Classification Sherloc (09022015). Collection method: clinical testing. Allele origin: germline.
Comment: This sequence change replaces arginine with histidine at codon 614 of the TAP2 protein (p.Arg614His). The arginine residue is highly conserved and there is a small physicochemical difference between arginine and histidine. This variant is present in population databases (rs770111657, ExAC 0.01%). This variant has not been reported in the literature in individuals affected with TAP2-related conditions. Algorithms developed to predict the effect of missense changes on protein structure and function are either unavailable or do not agree on the potential impact of this missense change (SIFT: "Deleterious"; PolyPhen-2: "Not Available"; Align-GVGD: "Class C0"). In summary, the available evidence is currently insufficient to determine the role of this variant in disease. Therefore, it has been classified as a Variant of Uncertain Significance.